The following is an entry in ClinVar:

NM_005269.3(GLI1):c.877C>T (p.Arg293Cys)

Gene: GLI1 (GLI family zinc finger 1; plus strand). Cytogenetic location: 12q13.3.
Variant type: single nucleotide variant.
Coding change: c.877C>T on transcript NM_005269.3 (MANE Select); coding-DNA position 877, C replaced by T.
Protein change: p.Arg293Cys; replaces arginine 293 with cysteine.
Molecular consequence: missense variant.
Genome position (GRCh38, 1-based): chr12:57,466,354, C>T. VCF-style: chr12-57466354-C-T. GRCh37 (hg19) VCF-style: chr12-57860137-C-T.
Other names: c.493C>T, p.Arg165Cys (NM_001160045.2); c.754C>T, p.Arg252Cys (NM_001167609.2); c.877C>T (NM_005269.2); short protein forms R165C, R252C, R293C.
Identifiers: ClinVar variation 1709702 (VCV001709702.3), dbSNP rs1871484057, ClinGen allele CA385463912.

ClinVar aggregate classification (germline): Uncertain significance. Review status: criteria provided, multiple submitters, no conflicts (2 of 4 stars). 2 submissions from 2 submitters: Uncertain significance (2). Last evaluated 2025-03-25.

Conditions:
Polydactyly, postaxial, type A8. Identifiers: MedGen C4748277, MONDO:0029130, OMIM 618123.

Allele frequency attached by ClinVar (database versions not stated): gnomAD exomes 0.00001; gnomAD 0.00001.
gnomAD v4.1: 12 of 1,613,770 alleles (0.00074%); highest among the groups gnomAD compares: Admixed American, 0.0017%; no homozygotes.

Submissions (2):

Ambry Genetics
Classification: Uncertain significance. Last evaluated: 2025-03-25. Review status: criteria provided, single submitter. Criteria: Ambry Variant Classification Scheme 2023. Collection method: clinical testing. Allele origin: germline.

MGZ Medical Genetics Center
Classification: Uncertain significance for Polydactyly, postaxial, type A8. Last evaluated: 2021-08-25. Review status: criteria provided, single submitter. Criteria: ACMG Guidelines, 2015. Collection method: clinical testing. Allele origin: germline. Affected: yes. Observed: 1 variant allele.
Comment: ACMG criteria applied: PM2_SUP, PP3